The following is an entry in ClinVar:

NM_004565.3(PEX14):c.84G>A (p.Leu28=)

Gene: PEX14 (peroxisomal biogenesis factor 14; plus strand). Cytogenetic location: 1p36.22.
Variant type: single nucleotide variant.
Coding change: c.84G>A on transcript NM_004565.3 (MANE Select); coding-DNA position 84, G replaced by A.
Protein change: p.Leu28=; no amino-acid change (leucine 28 retained).
Molecular consequence: synonymous variant.
Genome position (GRCh38, 1-based): chr1:10,495,321, G>A. VCF-style: chr1-10495321-G-A. GRCh37 (hg19) VCF-style: chr1-10555378-G-A.
Identifiers: ClinVar variation 1406743 (VCV001406743.3), dbSNP rs551147900, ClinGen allele CA583689.

ClinVar aggregate classification (germline): Uncertain significance (1 of 4 stars; one submission).

Conditions:
Peroxisome biogenesis disorder, complementation group K (CGK). Identifiers: MedGen C1866257, MONDO:0800365.

Allele frequency attached by ClinVar (database versions not stated): TOPMed 0.00001; gnomAD exomes 0.00003 and 0.00008; gnomAD 0.00005; ExAC 0.00011; 1000 Genomes Project 30x 0.00016; 1000 Genomes Project 0.00020.
gnomAD v4.1: 51 of 1,612,062 alleles (0.0032%); highest among the groups gnomAD compares: South Asian, 0.052%; no homozygotes.

Submission:

Labcorp Genetics (formerly Invitae), Labcorp
Classification: Uncertain significance for Peroxisome biogenesis disorder, complementation group K. Last evaluated: 2021-06-22. Review status: criteria provided, single submitter. Criteria: Invitae Variant Classification Sherloc (09022015). Collection method: clinical testing. Allele origin: germline.
Comment: This sequence change affects codon 28 of the PEX14 mRNA. It is a 'silent' change, meaning that it does not change the encoded amino acid sequence of the PEX14 protein. This variant also falls at the last nucleotide of exon 2, which is part of the consensus splice site for this exon. This variant is present in population databases (rs551147900, ExAC 0.08%). This variant has not been reported in the literature in individuals affected with PEX14-related conditions. Nucleotide substitutions within the consensus splice site are a relatively common cause of aberrant splicing (PMID: 17576681, 9536098). Algorithms developed to predict the effect of sequence changes on RNA splicing suggest that this variant may disrupt the consensus splice site. In summary, the available evidence is currently insufficient to determine the role of this variant in disease. Therefore, it has been classified as a Variant of Uncertain Significance.

Literature cited by the submitters: PubMed 17576681; PubMed 9536098.